The following is an entry in ClinVar:

ClinVar aggregate classification (germline): Uncertain significance (1 of 4 stars; one submission).

Conditions:
Familial adenomatous polyposis 1 (FAP1). Also called: FAMILIAL ADENOMATOUS POLYPOSIS 1, ATTENUATED; POLYPOSIS, ADENOMATOUS INTESTINAL. Identifiers: MedGen C2713442, MONDO:0021056, OMIM 175100. Disease mechanism: loss of function.

Submission:

Labcorp Genetics (formerly Invitae), Labcorp
Classification: Uncertain significance for Familial adenomatous polyposis 1. Last evaluated: 2022-07-14. Review status: criteria provided, single submitter. Criteria: Invitae Variant Classification Sherloc (09022015). Collection method: clinical testing. Allele origin: germline.
Comment: Algorithms developed to predict the effect of missense changes on protein structure and function are either unavailable or do not agree on the potential impact of this missense change (SIFT: "Tolerated"; PolyPhen-2: "Probably Damaging"; Align-GVGD: "Class C0"). In summary, the available evidence is currently insufficient to determine the role of this variant in disease. Therefore, it has been classified as a Variant of Uncertain Significance. This variant has not been reported in the literature in individuals affected with APC-related conditions. This variant is not present in population databases (gnomAD no frequency). This sequence change replaces serine, which is neutral and polar, with asparagine, which is neutral and polar, at codon 969 of the APC protein (p.Ser969Asn).

NM_000038.6(APC):c.2906G>A (p.Ser969Asn)

Gene: APC (APC regulator of Wnt signaling pathway; plus strand). Cytogenetic location: 5q22.2.
Variant type: single nucleotide variant.
Coding change: c.2906G>A on transcript NM_000038.6 (MANE Select); coding-DNA position 2906, G replaced by A.
Protein change: p.Ser969Asn; replaces serine 969 with asparagine.
Molecular consequence: missense variant.
Genome position (GRCh38, 1-based): chr5:112,838,500, G>A. VCF-style: chr5-112838500-G-A. GRCh37 (hg19) VCF-style: chr5-112174197-G-A.
Other names: c.2906G>A, p.Ser969Asn (NM_001127510.3, NM_001354895.2, NM_001407450.1); c.2852G>A, p.Ser951Asn (NM_001127511.3); c.2960G>A, p.Ser987Asn (NM_001354896.2, NM_001407447.1, NM_001407448.1 and 1 more transcripts); c.2936G>A, p.Ser979Asn (NM_001354897.2); c.2831G>A, p.Ser944Asn (NM_001354898.2); c.2822G>A, p.Ser941Asn (NM_001354899.2); c.2783G>A, p.Ser928Asn (NM_001354900.2); c.2729G>A, p.Ser910Asn (NM_001354901.2, NM_001407453.1); and 11 more; short protein forms S686N, S886N, S843N, S868N, S910N, S944N, S959N, S979N.
Identifiers: ClinVar variation 2017049 (VCV002017049.4), dbSNP rs2149879913, ClinGen allele CA16027678.